The following is an entry in ClinVar:

ClinVar aggregate classification (germline): Uncertain significance (1 of 4 stars; one submission).

Allele frequency attached by ClinVar (database versions not stated): gnomAD exomes below 0.00001.
gnomAD v4.1: 1 of 1,614,204 alleles (0.000062%); highest among the groups gnomAD compares: Non-Finnish European, 0.000085%; no homozygotes.

Submission:

Labcorp Genetics (formerly Invitae), Labcorp
Classification: Uncertain significance. Last evaluated: 2022-03-26. Review status: criteria provided, single submitter. Criteria: Invitae Variant Classification Sherloc (09022015). Collection method: clinical testing. Allele origin: germline.
Comment: In summary, the available evidence is currently insufficient to determine the role of this variant in disease. Therefore, it has been classified as a Variant of Uncertain Significance. Advanced modeling of protein sequence and biophysical properties (such as structural, functional, and spatial information, amino acid conservation, physicochemical variation, residue mobility, and thermodynamic stability) performed at Invitae indicates that this missense variant is not expected to disrupt CNGB1 protein function. This variant has not been reported in the literature in individuals affected with CNGB1-related conditions. This variant is not present in population databases (gnomAD no frequency). This sequence change replaces lysine, which is basic and polar, with glutamic acid, which is acidic and polar, at codon 918 of the CNGB1 protein (p.Lys918Glu).

NM_001297.5(CNGB1):c.2752A>G (p.Lys918Glu)

Gene: CNGB1 (cyclic nucleotide gated channel subunit beta 1; minus strand). Cytogenetic location: 16q21.
Variant type: single nucleotide variant.
Coding change: c.2752A>G on transcript NM_001297.5 (MANE Select); coding-DNA position 2752, A replaced by G.
Protein change: p.Lys918Glu; replaces lysine 918 with glutamic acid.
Molecular consequence: missense variant.
Genome position (GRCh38, 1-based): chr16:57,903,864, T>C on the plus strand (A>G on the coding strand, the complement: CNGB1 is on the minus strand). VCF-style: chr16-57903864-T-C. GRCh37 (hg19) VCF-style: chr16-57937768-T-C.
Other names: c.2734A>G, p.Lys912Glu (NM_001286130.2); short protein forms K912E, K918E.
Identifiers: ClinVar variation 2117141 (VCV002117141.4), dbSNP rs1960457862, ClinGen allele CA396057370.